The following is an entry in ClinVar:

ClinVar aggregate classification (germline): Uncertain significance (1 of 4 stars; one submission).

Conditions:
Familial cancer of breast. Also called: BREAST CANCER, FAMILIAL; Hereditary breast cancer; hereditary breast carcinoma. Identifiers: Orphanet 227535, MedGen C0346153, MONDO:0016419, OMIM 114480. Disease mechanism: loss of function.
Fanconi anemia complementation group J. Also called: BRIP1-Related Fanconi Anemia. Identifiers: Orphanet 84, MedGen C1836860, MONDO:0012187, OMIM 609054.

Submission:

Labcorp Genetics (formerly Invitae), Labcorp
Classification: Uncertain significance for Familial cancer of breast; Fanconi anemia complementation group J. Last evaluated: 2024-01-08. Review status: criteria provided, single submitter. Criteria: Invitae Variant Classification Sherloc (09022015). Collection method: clinical testing. Allele origin: germline.
Comment: This sequence change replaces isoleucine, which is neutral and non-polar, with lysine, which is basic and polar, at codon 782 of the BRIP1 protein (p.Ile782Lys). This variant is not present in population databases (gnomAD no frequency). This variant has not been reported in the literature in individuals affected with BRIP1-related conditions. ClinVar contains an entry for this variant (Variation ID: 1721466). Advanced modeling of protein sequence and biophysical properties (such as structural, functional, and spatial information, amino acid conservation, physicochemical variation, residue mobility, and thermodynamic stability) performed at Invitae indicates that this missense variant is expected to disrupt BRIP1 protein function with a positive predictive value of 80%. In summary, the available evidence is currently insufficient to determine the role of this variant in disease. Therefore, it has been classified as a Variant of Uncertain Significance.

NM_032043.3(BRIP1):c.2345T>A (p.Ile782Lys)

Gene: BRIP1 (BRCA1 interacting DNA helicase 1; minus strand). Cytogenetic location: 17q23.2.
Variant type: single nucleotide variant.
Coding change: c.2345T>A on transcript NM_032043.3 (MANE Select); coding-DNA position 2345, T replaced by A.
Protein change: p.Ile782Lys; replaces isoleucine 782 with lysine.
Molecular consequence: missense variant.
Genome position (GRCh38, 1-based): chr17:61,743,047, A>T on the plus strand (T>A on the coding strand, the complement: BRIP1 is on the minus strand). VCF-style: chr17-61743047-A-T. GRCh37 (hg19) VCF-style: chr17-59820408-A-T.
Other names: short protein forms I782K.
Identifiers: ClinVar variation 1721466 (VCV001721466.5), dbSNP rs778758437, ClinGen allele CA400482591.
Genomic context (GRCh38, chr17:61,743,047, plus strand): 5'-TAAAACTTAAGGTTTTGATGGCCTACCTGTAGATCTTTCACATTTGGAAAAGGAATTCCT[A>T]TTGTTATGACAGCACGGGCATTGTCATCTGAGAAATCCAGACCCTCACTCACTTTACCAC-3'
Protein context (NP_114432.2, residues 772-792): SDDNARAVIT[Ile782Lys]GIPFPNVKDL